The following is an entry in ClinVar:

NM_000136.3(FANCC):c.-79+13C>T

Gene: FANCC (FA complementation group C; minus strand). Cytogenetic location: 9q22.32.
Variant type: single nucleotide variant.
Coding change: c.-79+13C>T on transcript NM_000136.3 (MANE Select); 13 bases into the intron after 79 bases upstream of the start codon, C replaced by T.
Molecular consequence: intron variant.
Genome position (GRCh38, 1-based): chr9:95,317,513, G>A on the plus strand (C>T on the coding strand, the complement: FANCC is on the minus strand). VCF-style: chr9-95317513-G-A. GRCh37 (hg19) VCF-style: chr9-98079795-G-A.
Other names: c.-79+13C>T (NM_001243744.2).
Identifiers: ClinVar variation 510516 (VCV000510516.1), dbSNP rs1554876652, ClinGen allele CA658797245.

ClinVar aggregate classification (germline): Likely benign (1 of 4 stars; one submission).

Submission:

GeneDx
Classification: Likely benign. Last evaluated: 2017-06-30. Review status: criteria provided, single submitter. Criteria: GeneDx Variant Classification (06012015). Collection method: clinical testing. Allele origin: germline. Affected: yes.
Comment: This variant is considered likely benign or benign based on one or more of the following criteria: it is a conservative change, it occurs at a poorly conserved position in the protein, it is predicted to be benign by multiple in silico algorithms, and/or has population frequency not consistent with disease.